The following is an entry in ClinVar:

NM_000245.4(MET):c.3518C>T (p.Thr1173Ile)

Gene: MET (MET proto-oncogene, receptor tyrosine kinase; plus strand). Cytogenetic location: 7q31.2.
Variant type: single nucleotide variant.
Coding change: c.3518C>T on transcript NM_000245.4 (MANE Select); coding-DNA position 3518, C replaced by T.
Protein change: p.Thr1173Ile; replaces threonine 1173 with isoleucine.
Molecular consequence: missense variant.
Genome position (GRCh38, 1-based): chr7:116,778,953, C>T. VCF-style: chr7-116778953-C-T. GRCh37 (hg19) VCF-style: chr7-116419007-C-T.
Other names: c.3572C>T, p.Thr1191Ile (NM_001127500.3, LRG_662t1); c.2228C>T, p.Thr743Ile (NM_001324402.2); short protein forms T1191I, T1173I, T743I.
Identifiers: ClinVar variation 13888 (VCV000013888.2), dbSNP rs121913675, ClinGen allele CA123608.

ClinVar aggregate classification (germline): Uncertain significance. Review status: criteria provided, single submitter (1 of 4 stars). 2 submissions from 2 submitters: Uncertain significance (1). 1 of the submissions does not count toward it. Last evaluated 2025-09-04.

Conditions:
Pediatric hepatocellular carcinoma. Also called: Childhood hepatocellular carcinoma. Identifiers: Orphanet 33402, MedGen C0279606, MONDO:0018055.

Submissions (2):

Women's Health and Genetics/Laboratory Corporation of America, LabCorp
Classification: Uncertain significance. Last evaluated: 2025-09-04. Review status: criteria provided, single submitter. Criteria: LabCorp Variant Classification Summary - May 2015. Collection method: clinical testing. Allele origin: germline.
Comment: Variant summary: MET c.3572C>T (p.Thr1191Ile) results in a non-conservative amino acid change in the encoded protein sequence. Algorithms developed to predict the effect of missense changes on protein structure and function all suggest that this variant is likely to be disruptive. The variant was absent in 248898 control chromosomes. The available data on variant occurrences in the general population are insufficient to allow any conclusion about variant significance. To our knowledge, no occurrence of c.3572C>T in individuals affected with MET-related conditions and no experimental evidence demonstrating its impact on protein function have been reported. ClinVar contains an entry for this variant (Variation ID: 13888). Based on the evidence outlined above, the variant was classified as uncertain significance.

OMIM
Classification: Pathogenic for HEPATOCELLULAR CARCINOMA, CHILDHOOD TYPE, SOMATIC. Last evaluated: 1999-01-15. Review status: no assertion criteria provided. Collection method: literature only. Allele origin: somatic. Not counted in ClinVar's aggregate classification.

Literature cited by the submitters: PubMed 9927037 (cited by OMIM).